The following is an entry in ClinVar:

ClinVar aggregate classification (germline): Uncertain significance (1 of 4 stars; one submission).

Submission:

GeneDx
Classification: Uncertain significance. Last evaluated: 2026-04-15. Review status: criteria provided, single submitter. Criteria: GeneDx Variant Classification Process June 2021. Collection method: clinical testing. Allele origin: germline.
Comment: Not observed at significant frequency in large population cohorts (gnomAD); In silico analysis supports that this missense variant has a deleterious effect on protein structure/function; Has not been previously published as pathogenic or benign to our knowledge

NM_024757.5(EHMT1):c.596A>T (p.Lys199Met)

Gene: EHMT1 (euchromatic histone lysine methyltransferase 1; plus strand). Cytogenetic location: 9q34.3.
Variant type: single nucleotide variant.
Coding change: c.596A>T on transcript NM_024757.5 (MANE Select); coding-DNA position 596, A replaced by T.
Protein change: p.Lys199Met; replaces lysine 199 with methionine.
Molecular consequence: missense variant.
Genome position (GRCh38, 1-based): chr9:137,717,136, A>T. VCF-style: chr9-137717136-A-T. GRCh37 (hg19) VCF-style: chr9-140611588-A-T.
Other names: c.596A>T, p.Lys199Met (NM_001145527.2, NM_001354263.2, NM_001354611.2); c.503A>T, p.Lys168Met (NM_001354259.2, NM_001354612.2); short protein forms K168M, K199M.
Identifiers: ClinVar variation 5037251 (VCV005037251.1).